The following is an entry in ClinVar:

ClinVar aggregate classification (germline): Uncertain significance (1 of 4 stars; one submission).

Conditions:
Autosomal recessive limb-girdle muscular dystrophy type 2Y (MRRSDC). Also called: Muscular dystrophy, limb-girdle, type 2y; Muscular dystrophy, autosomal recessive, with rigid spine and distal joint contractures. Identifiers: Orphanet 424261, MedGen C4511482, MONDO:0014900, OMIM 617072.

Allele frequency attached by ClinVar (database versions not stated): gnomAD exomes 0.00001.

Submission:

Labcorp Genetics (formerly Invitae), Labcorp
Classification: Uncertain significance for Autosomal recessive limb-girdle muscular dystrophy type 2Y. Last evaluated: 2022-07-23. Review status: criteria provided, single submitter. Criteria: Invitae Variant Classification Sherloc (09022015). Collection method: clinical testing. Allele origin: germline.
Comment: In summary, the available evidence is currently insufficient to determine the role of this variant in disease. Therefore, it has been classified as a Variant of Uncertain Significance. Algorithms developed to predict the effect of missense changes on protein structure and function are either unavailable or do not agree on the potential impact of this missense change (SIFT: "Tolerated"; PolyPhen-2: "Probably Damaging"; Align-GVGD: "Class C0"). This variant has not been reported in the literature in individuals affected with TOR1AIP1-related conditions. This variant is not present in population databases (gnomAD no frequency). This sequence change replaces arginine, which is basic and polar, with glutamine, which is neutral and polar, at codon 196 of the TOR1AIP1 protein (p.Arg196Gln).

NM_015602.4(TOR1AIP1):c.584G>A (p.Arg195Gln)

Gene: TOR1AIP1 (torsin 1A interacting protein 1; plus strand). Cytogenetic location: 1q25.2.
Variant type: single nucleotide variant.
Coding change: c.584G>A on transcript NM_015602.4 (MANE Select); coding-DNA position 584, G replaced by A.
Protein change: p.Arg195Gln; replaces arginine 195 with glutamine.
Molecular consequence: missense variant.
Genome position (GRCh38, 1-based): chr1:179,889,343, G>A. VCF-style: chr1-179889343-G-A. GRCh37 (hg19) VCF-style: chr1-179858478-G-A.
Other names: c.587G>A, p.Arg196Gln (NM_001267578.2); short protein forms R195Q, R196Q.
Identifiers: ClinVar variation 2043225 (VCV002043225.4), dbSNP rs1571723198, ClinGen allele CA343580896.